The following is an entry in ClinVar:

ClinVar aggregate classification (germline): Likely pathogenic (1 of 4 stars; one submission).

Conditions:
Primary ciliary dyskinesia 19. Also called: CILIARY DYSKINESIA, PRIMARY, 19, WITH OR WITHOUT SITUS INVERSUS. Identifiers: Orphanet 244, MedGen C3543826, MONDO:0013979, OMIM 614935.

gnomAD v4.1: 13 of 1,613,488 alleles (0.00081%); highest among the groups gnomAD compares: East Asian, 0.029%; no homozygotes.

Submission:

The Research Institute of Tuberculosis, Japan Anti-Tuberculosis Association
Classification: Likely pathogenic for Primary ciliary dyskinesia 19. Last evaluated: 2026-04-19. Review status: criteria provided, single submitter. Criteria: ACMG Guidelines, 2015. Collection method: research. Allele origin: germline. Inheritance: Autosomal recessive inheritance. Affected: yes.
Comment: Classification determined through our internal review, with support from Franklin (Genoox) summaries integrated into the overall assessment. ACMG/AMP guidelines were applied for SNV/indel interpretation. Final classification: Likely pathogenic. This variant is a null variant (STOP_GAIN) in a gene where loss of function is an established mechanism of disease, supporting PVS1. This variant is absent or present at extremely low frequency in population databases (gnomAD: exome 0.00089; genome 0), supporting PM2. Evidence (ACMG/AMP codes): PVS1, PM2.

Literature cited by the submitters: PubMed 41062319.

NM_012472.6(DNAAF11):c.1165C>T (p.Gln389Ter)

Gene: DNAAF11 (dynein axonemal assembly factor 11; minus strand). Cytogenetic location: 8q24.22.
Variant type: single nucleotide variant.
Coding change: c.1165C>T on transcript NM_012472.6 (MANE Select); coding-DNA position 1165, C replaced by T.
Protein change: p.Gln389Ter; replaces glutamine 389 with a stop codon.
Molecular consequence: nonsense. On other transcripts: non-coding transcript variant (10).
Genome position (GRCh38, 1-based): chr8:132,583,755, G>A on the plus strand (C>T on the coding strand, the complement: DNAAF11 is on the minus strand). VCF-style: chr8-132583755-G-A. GRCh37 (hg19) VCF-style: chr8-133596002-G-A.
Other names: c.1105C>T, p.Gln369Ter (NM_001321961.2); c.919C>T, p.Gln307Ter (NM_001321962.2); c.805C>T, p.Gln269Ter (NM_001321963.2, NM_001321964.2, NM_001321965.2); c.745C>T, p.Gln249Ter (NM_001321966.2); short protein forms Q249*, Q269*, Q307*, Q369*, Q389*.
Identifiers: ClinVar variation 4849888 (VCV004849888.1).
Genomic context (GRCh38, chr8:132,583,755, plus strand): 5'-TTGTATTTGTTTGTTCTCTGCTCCTGTCCGAGGTAGTTTTCATAGATTTGAATGCTCGCT[G>A]ACCACCTGTGATTACTTCTCCTACCTAAAATAAAAATGAAACACACACCAAGTGGTGCAT-3'